The following is an entry in ClinVar:

NM_000552.5(VWF):c.5207del (p.Gly1736fs)

Gene: VWF (von Willebrand factor; minus strand). Cytogenetic location: 12p13.31.
Variant type: Deletion.
Coding change: c.5207del on transcript NM_000552.5 (MANE Select); coding-DNA position 5207, one base deleted (G; older notation c.5207delG).
Protein change: p.Gly1736fs; shifts the reading frame from glycine 1736.
Molecular consequence: frameshift variant.
Genome position (GRCh38, 1-based): chr12:6,016,620, C deleted on the plus strand (G on the coding strand, the reverse complement: VWF is on the minus strand); the first of 2 consecutive C bases (chr12:6,016,620-6,016,621); deleting either gives the same sequence. VCF-style (leftmost placement, unchanged base first): chr12-6016619-TC-T. GRCh37 (hg19) VCF-style: chr12-6125785-TC-T.
Other names: c.5207delG (NM_000552.5); short protein forms G1736fs.
Identifiers: ClinVar variation 2682118 (VCV002682118.2), dbSNP rs1944061491, ClinGen allele CA944317761.

ClinVar aggregate classification (germline): Pathogenic. Review status: criteria provided, multiple submitters, no conflicts (2 of 4 stars). 2 submissions from 2 submitters: Pathogenic (2). Last evaluated 2024-04-24.

Conditions:
von Willebrand disorder (VWD). Also called: von Willebrand Diseases; von Willebrand's disease; Von Willebrand disease (hereditary or acquired). Identifiers: MedGen C0042974, MeSH D014842, MONDO:0024574.

Submissions (2):

Women's Health and Genetics/Laboratory Corporation of America, LabCorp
Classification: Pathogenic for von Willebrand disorder. Last evaluated: 2024-04-24. Review status: criteria provided, single submitter. Criteria: LabCorp Variant Classification Summary - May 2015. Collection method: clinical testing. Allele origin: germline.
Comment: Variant summary: VWF c.5207delG (p.Gly1736GlufsX20) results in a premature termination codon, predicted to cause a truncation of the encoded protein or absence of the protein due to nonsense mediated decay, which are commonly known mechanisms for disease. The variant was absent in 251484 control chromosomes. c.5207delG has been reported in the literature in an individual affected with Von Willebrand Disease (Veyradier_2016). The following publication have been ascertained in the context of this evaluation (PMID: 26986123). ClinVar contains an entry for this variant (Variation ID: 2682118). Based on the evidence outlined above, the variant was classified as pathogenic.

Quest Diagnostics Nichols Institute San Juan Capistrano
Classification: Pathogenic. Last evaluated: 2022-11-09. Review status: criteria provided, single submitter. Criteria: Quest Diagnostics criteria. Collection method: clinical testing. Allele origin: unknown.
Comment: The VWF c.5207del (p.Gly1736Glufs*20) frameshift variant alters the translational reading frame of the VWF mRNA and causes the premature termination of VWF protein synthesis. The variant has not been reported in large, multi-ethnic general populations. In the published literature, the variant was reported in an individual affected with VWD (PMID: 26986123 (2016)). Based on the available information, this variant is classified as pathogenic.

Literature cited by the submitters: PubMed 26986123 (cited by Women's Health and Genetics/Laboratory Corporation of America, LabCorp and Quest Diagnostics Nichols Institute San Juan Capistrano).